The following is an entry in ClinVar:

ClinVar aggregate classification (germline): Uncertain significance. Review status: criteria provided, multiple submitters, no conflicts (2 of 4 stars). 2 submissions from 2 submitters: Uncertain significance (2). Last evaluated 2022-03-02.

Submissions (2):

Labcorp Genetics (formerly Invitae), Labcorp
Classification: Uncertain significance. Last evaluated: 2022-03-02. Review status: criteria provided, single submitter. Criteria: Invitae Variant Classification Sherloc (09022015). Collection method: clinical testing. Allele origin: germline.
Comment: Algorithms developed to predict the effect of missense changes on protein structure and function output the following: SIFT: "Tolerated"; PolyPhen-2: "Benign"; Align-GVGD: "Class C0". The alanine amino acid residue is found in multiple mammalian species, which suggests that this missense change does not adversely affect protein function. This variant has not been reported in the literature in individuals affected with EYS-related conditions. This variant is not present in population databases (gnomAD no frequency). This sequence change replaces threonine, which is neutral and polar, with alanine, which is neutral and non-polar, at codon 656 of the EYS protein (p.Thr656Ala). In summary, the available evidence is currently insufficient to determine the role of this variant in disease. Therefore, it has been classified as a Variant of Uncertain Significance.

Blueprint Genetics
Classification: Uncertain significance. Last evaluated: 2017-07-25. Review status: criteria provided, single submitter. Criteria: ACMG Guidelines, 2015. Collection method: clinical testing. Allele origin: germline.

NM_001142800.2(EYS):c.1966A>G (p.Thr656Ala)

Gene: EYS (EGF-like photoreceptor maintenance factor; minus strand). Cytogenetic location: 6q12.
Variant type: single nucleotide variant.
Coding change: c.1966A>G on transcript NM_001142800.2 (MANE Select); coding-DNA position 1966, A replaced by G.
Protein change: p.Thr656Ala; replaces threonine 656 with alanine.
Molecular consequence: missense variant.
Genome position (GRCh38, 1-based): chr6:65,295,920, T>C on the plus strand (A>G on the coding strand, the complement: EYS is on the minus strand). VCF-style: chr6-65295920-T-C. GRCh37 (hg19) VCF-style: chr6-66005813-T-C.
Other names: c.1966A>G, p.Thr656Ala (NM_001292009.2); short protein forms T656A.
Identifiers: ClinVar variation 2043292 (VCV002043292.5), dbSNP rs2533012585, ClinGen allele CA364659412.
Genomic context (GRCh38, chr6:65,295,920, plus strand): 5'-TGCCTTTAAATCCTGGGACACACTTGCGGAAGAAATATCCCCTTAAATGTGTACTAGTTG[T>C]TCCATTTTTGCAGGACGCAGATTTGCAGTCTTCAGTATCTATCTCACAGATGTTCCTTTC-3'
Protein context (NP_001136272.1, residues 646-666): DCKSASCKNG[Thr656Ala]TSTHLRGYFF